The following is an entry in ClinVar:

ClinVar aggregate classification (germline): Uncertain significance (1 of 4 stars; one submission).

Conditions:
Charcot-Marie-Tooth disease recessive intermediate C. Also called: CHARCOT-MARIE-TOOTH NEUROPATHY, RECESSIVE INTERMEDIATE C. Identifiers: Orphanet 369867, MedGen C3809309, MONDO:0014154, OMIM 615376.
Neuronopathy, distal hereditary motor, autosomal recessive 4. Also called: NEUROPATHY, DISTAL HEREDITARY MOTOR, AUTOSOMAL RECESSIVE 4; Autosomal recessive lower motor neuron disease with childhood onset. Identifiers: Orphanet 206580, MedGen C1970211, MONDO:0012608, OMIM 611067.

Allele frequency attached by ClinVar (database versions not stated): gnomAD exomes below 0.00001; TOPMed below 0.00001.
gnomAD v4.1: 1 of 1,612,964 alleles (0.000062%); highest among the groups gnomAD compares: Non-Finnish European, 0.000085%; no homozygotes.

Submission:

Labcorp Genetics (formerly Invitae), Labcorp
Classification: Uncertain significance for Neuronopathy, distal hereditary motor, autosomal recessive 4; Charcot-Marie-Tooth disease recessive intermediate C. Last evaluated: 2021-04-23. Review status: criteria provided, single submitter. Criteria: Invitae Variant Classification Sherloc (09022015). Collection method: clinical testing. Allele origin: germline.
Comment: In summary, the available evidence is currently insufficient to determine the role of this variant in disease. Therefore, it has been classified as a Variant of Uncertain Significance. Algorithms developed to predict the effect of missense changes on protein structure and function (SIFT, PolyPhen-2, Align-GVGD) all suggest that this variant is likely to be tolerated, but these predictions have not been confirmed by published functional studies and their clinical significance is uncertain. This variant has not been reported in the literature in individuals with PLEKHG5-related conditions. This variant is not present in population databases (ExAC no frequency). This sequence change replaces proline with leucine at codon 174 of the PLEKHG5 protein (p.Pro174Leu). The proline residue is weakly conserved and there is a moderate physicochemical difference between proline and leucine.

NM_020631.6(PLEKHG5):c.521C>T (p.Pro174Leu)

Gene: PLEKHG5 (pleckstrin homology and RhoGEF domain containing G5; minus strand). Cytogenetic location: 1p36.31.
Variant type: single nucleotide variant.
Coding change: c.521C>T on transcript NM_020631.6 (MANE Select); coding-DNA position 521, C replaced by T.
Protein change: p.Pro174Leu; replaces proline 174 with leucine.
Molecular consequence: missense variant.
Genome position (GRCh38, 1-based): chr1:6,474,083, G>A on the plus strand (C>T on the coding strand, the complement: PLEKHG5 is on the minus strand). VCF-style: chr1-6474083-G-A. GRCh37 (hg19) VCF-style: chr1-6534143-G-A.
Other names: c.632C>T, p.Pro211Leu (NM_001042663.3, NM_001265592.2); c.521C>T, p.Pro174Leu (NM_001042664.2, NM_001042665.2, NM_001265594.3 and 1 more transcripts); c.728C>T, p.Pro243Leu (NM_001265593.2); short protein forms P243L, P211L, P174L.
Identifiers: ClinVar variation 1436011 (VCV001436011.8), dbSNP rs1374927816, ClinGen allele CA338138645.